The following is an entry in ClinVar:

ClinVar aggregate classification (germline): Benign/Likely benign. Review status: criteria provided, multiple submitters, no conflicts (2 of 4 stars). 4 submissions from 4 submitters: Benign (2); Likely benign (1). 1 of the submissions does not count toward it. Last evaluated 2024-11-19.

Allele frequency attached by ClinVar (database versions not stated): ESP Exome Variant Server 0.00169; gnomAD 0.00222 and 0.00508; TOPMed 0.00397; gnomAD exomes 0.01163; ExAC 0.01244; 1000 Genomes Project 30x 0.02405; 1000 Genomes Project 0.02596.
gnomAD v4.1: 10,645 of 1,613,888 alleles (0.66%); highest among the groups gnomAD compares: South Asian, 6%; 285 homozygotes.

Submissions (4):

Blueprint Genetics
Classification: Likely benign. Last evaluated: 2024-11-19. Review status: criteria provided, single submitter. Criteria: ACMG Guidelines, 2015. Collection method: clinical testing. Allele origin: germline.

GeneDx
Classification: Benign. Last evaluated: 2019-12-08. Review status: criteria provided, single submitter. Criteria: GeneDx Variant Classification Process June 2021. Collection method: clinical testing. Allele origin: germline. Affected: yes.

Breakthrough Genomics
Classification: Benign. Review status: criteria provided, single submitter. Criteria: ACMG Guidelines, 2015. Collection method: not provided. Allele origin: germline. Inheritance: Autosomal recessive inheritance. Affected: yes.

Genetic Services Laboratory, University of Chicago
Classification: Likely benign for AllHighlyPenetrant. Review status: no assertion criteria provided. Collection method: clinical testing. Allele origin: germline. Inheritance: Autosomal recessive inheritance. Not counted in ClinVar's aggregate classification.
Comment: Likely benign based on allele frequency in 1000 Genomes Project or ESP global frequency and its presence in a patient with a rare or unrelated disease phenotype. NOT Sanger confirmed.

NM_004826.4(ECEL1):c.1858G>A (p.Asp620Asn)

Gene: ECEL1 (endothelin converting enzyme like 1; minus strand). Cytogenetic location: 2q37.1.
Variant type: single nucleotide variant.
Coding change: c.1858G>A on transcript NM_004826.4 (MANE Select); coding-DNA position 1858, G replaced by A.
Protein change: p.Asp620Asn; replaces aspartic acid 620 with asparagine.
Molecular consequence: missense variant.
Genome position (GRCh38, 1-based): chr2:232,481,788, C>T on the plus strand (G>A on the coding strand, the complement: ECEL1 is on the minus strand). VCF-style: chr2-232481788-C-T. GRCh37 (hg19) VCF-style: chr2-233346498-C-T.
Other names: c.1852G>A, p.Asp618Asn (NM_001290787.2); short protein forms D620N, D618N.
Identifiers: ClinVar variation 128952 (VCV000128952.11), dbSNP rs142492002, ClinGen allele CA152674.
Genomic context (GRCh38, chr2:232,481,788, plus strand): 5'-CACTGCCTGTCCTGCCCCCTCCGGGCCATCCCCTGGGGCCCCAACAGGCCTCACCCCAGT[C>T]GTCGTAGCCGTGGGTCAGCTCATGTCCAATGATGGTGCCGATGCCCCCGTAGTTGAGAGA-3'
Protein context (NP_004817.2, residues 610-630): IGHELTHGYD[Asp620Asn]WGGQYDRSGN